The following is an entry in ClinVar:

NM_006371.5(CRTAP):c.634C>T (p.Arg212Ter)

Gene: CRTAP (cartilage associated protein; plus strand). Cytogenetic location: 3p22.3.
Variant type: single nucleotide variant.
Coding change: c.634C>T on transcript NM_006371.5 (MANE Select); coding-DNA position 634, C replaced by T.
Protein change: p.Arg212Ter; replaces arginine 212 with a stop codon.
Molecular consequence: nonsense.
Genome position (GRCh38, 1-based): chr3:33,124,420, C>T. VCF-style: chr3-33124420-C-T. GRCh37 (hg19) VCF-style: chr3-33165912-C-T.
Other names: c.634C>T, p.Arg212Ter (NM_001393363.1, NM_001393364.1); c.484C>T, p.Arg162Ter (NM_001393365.1); short protein forms R212*, R162*.
Identifiers: ClinVar variation 344809 (VCV000344809.20), dbSNP rs137853944, ClinGen allele CA2300343.

ClinVar aggregate classification (germline): Pathogenic/Likely pathogenic. Review status: criteria provided, multiple submitters, no conflicts (2 of 4 stars). 4 submissions from 4 submitters: Pathogenic (3); Likely pathogenic (1). Last evaluated 2025-09-23.

Conditions:
Osteogenesis imperfecta type 7 (OI7). Also called: OSTEOGENESIS IMPERFECTA, TYPE IIB; Osteogenesis imperfecta type 2B; OI type 2B; Osteogenesis imperfecta, perinatal lethal autosomal recessive; OI type IIB; OI type 7. Identifiers: MedGen C1853162, MONDO:0012536, OMIM 610682.

Allele frequency attached by ClinVar (database versions not stated): gnomAD exomes 0.00001 and 0.00002; ExAC 0.00002; TOPMed 0.00003; gnomAD 0.00004; ESP Exome Variant Server 0.00008; 1000 Genomes Project 0.00020; 1000 Genomes Project 30x 0.00031.
gnomAD v4.1: 20 of 1,614,136 alleles (0.0012%); highest among the groups gnomAD compares: African/African-American, 0.012%; no homozygotes.

Submissions (4):

Labcorp Genetics (formerly Invitae), Labcorp
Classification: Pathogenic for Osteogenesis imperfecta type 7. Last evaluated: 2025-09-23. Review status: criteria provided, single submitter. Criteria: Invitae Variant Classification Sherloc (09022015). Collection method: clinical testing. Allele origin: germline.
Comment: This sequence change creates a premature translational stop signal (p.Arg212*) in the CRTAP gene. It is expected to result in an absent or disrupted protein product. Loss-of-function variants in CRTAP are known to be pathogenic (PMID: 17055431, 19862557, 24715559). This variant is present in population databases (rs137853944, gnomAD 0.02%). This premature translational stop signal has been observed in individuals with CRTAP-related osteogenesis imperfecta (PMID: 19846465, 31742715). ClinVar contains an entry for this variant (Variation ID: 344809). For these reasons, this variant has been classified as Pathogenic.

Fulgent Genetics
Classification: Pathogenic for Osteogenesis imperfecta type 7. Last evaluated: 2024-02-23. Review status: criteria provided, single submitter. Criteria: ACMG Guidelines, 2015. Collection method: clinical testing. Allele origin: germline.

Victorian Clinical Genetics Services, Murdoch Childrens Research Institute
Classification: Pathogenic for Osteogenesis imperfecta type 7. Last evaluated: 2021-05-06. Review status: criteria provided, single submitter. Criteria: ACMG Guidelines, 2015. Collection method: clinical testing. Allele origin: germline. Inheritance: Autosomal recessive inheritance. Affected: no.
Comment: Based on the classification scheme VCGS_Germline_v1.3.4, this variant is classified as Pathogenic. Following criteria are met: 0102 - Loss of function is a known mechanism of disease in this gene and is associated with osteogenesis imperfecta, type VII (MIM#610682). (I) 0106 - This gene is associated with autosomal recessive disease. (I) 0201 - Variant is predicted to cause nonsense-mediated decay (NMD) and loss of protein (premature termination codon is located at least 54 nucleotides upstream of the final exon-exon junction). (SP) 0251 - This variant is heterozygous. (I) 0304 - Variant is present in gnomAD <0.01 for a recessive condition (8 heterozygotes, 0 homozygotes). (SP) 0701 - Other NMD-predicted variants comparable to the one identified in this case have very strong previous evidence for pathogenicity. Variants predicted or proven to result in NMD have been reported in multiple individuals in the context of osteogenesis imperfecta, type VII (ClinVar, PMID:17192541, 19846465, 21955071). (SP) 0802 - This variant has moderate previous evidence of pathogenicity in unrelated individuals. This variant has been reported in a homozygous or compound heterozygous state in multiple individuals with osteogenesis imperfecta, type VII (ClinVar, PMID:31742715, 19846465). (SP) 0905 - No published segregation evidence has been identified for this variant. (I) 1007 - No published functional evidence has been identified for this variant. (I) 1207 - Parental origin of the variant is unresolved. (I) Legend: (SP) - Supporting pathogenic, (I) - Information, (SB) - Supporting benign

Diagnostics Division, CENTRE FOR DNA FINGERPRINTING AND DIAGNOSTICS
Classification: Likely pathogenic for Osteogenesis imperfecta type 7. Last evaluated: 2019-01-01. Review status: criteria provided, single submitter. Criteria: ACMG Guidelines, 2015. Collection method: research. Allele origin: germline. Affected: yes. Observed: 1 homozygote.
Comment: Nonsense variant

Literature cited by the submitters: PubMed 17055431 (cited by Labcorp Genetics (formerly Invitae), Labcorp); PubMed 19862557 (cited by Labcorp Genetics (formerly Invitae), Labcorp); PubMed 24715559 (cited by Labcorp Genetics (formerly Invitae), Labcorp); PubMed 19846465 (cited by Labcorp Genetics (formerly Invitae), Labcorp and Victorian Clinical Genetics Services, Murdoch Childrens Research Institute); PubMed 31742715 (cited by Labcorp Genetics (formerly Invitae), Labcorp and Victorian Clinical Genetics Services, Murdoch Childrens Research Institute); PubMed 17192541 (cited by Victorian Clinical Genetics Services, Murdoch Childrens Research Institute); PubMed 21955071 (cited by Victorian Clinical Genetics Services, Murdoch Childrens Research Institute).